The following is an entry in ClinVar:

NM_004722.4(AP4M1):c.916C>T (p.Arg306Ter)

Gene: AP4M1 (adaptor related protein complex 4 subunit mu 1; plus strand). Cytogenetic location: 7q22.1.
Variant type: single nucleotide variant.
Coding change: c.916C>T on transcript NM_004722.4 (MANE Select); coding-DNA position 916, C replaced by T.
Protein change: p.Arg306Ter; replaces arginine 306 with a stop codon.
Molecular consequence: nonsense.
Genome position (GRCh38, 1-based): chr7:100,105,526, C>T. VCF-style: chr7-100105526-C-T. GRCh37 (hg19) VCF-style: chr7-99703149-C-T.
Other names: c.937C>T, p.Arg313Ter (NM_001363671.2); short protein forms R306*, R313*.
Identifiers: ClinVar variation 561150 (VCV000561150.16), dbSNP rs369459721, ClinGen allele CA4374858.

ClinVar aggregate classification (germline): Pathogenic. Review status: criteria provided, multiple submitters, no conflicts (2 of 4 stars). 9 submissions from 9 submitters: Pathogenic (8). 1 of the submissions does not count toward it. Last evaluated 2025-09-22.

Conditions:
AP4M1-related disorder. Also called: AP4M1-related condition.
Hereditary spastic paraplegia. Also called: Familial spastic paraparesis. Identifiers: Orphanet 685, MedGen C0037773, MONDO:0019064. Disease mechanism: loss of function.
Spastic paraplegia. Identifiers: MedGen C0037772, HP:0001258.
Intellectual disability. Also called: Intellectual functioning disability; Intellectual developmental disorder; intellectual disabilities. Identifiers: MedGen C3714756, MeSH D008607, MONDO:0001071, HP:0001249.
Hereditary spastic paraplegia 50 (SPG50). Also called: Spastic paraplegia 50, autosomal recessive. Identifiers: Orphanet 280763, MedGen C2752008, MONDO:0013048, OMIM 612936.

Allele frequency attached by ClinVar (database versions not stated): ExAC 0.00002; gnomAD exomes 0.00002 and 0.00004; TOPMed 0.00002; gnomAD 0.00004; ESP Exome Variant Server 0.00008.

Submissions (9):

Labcorp Genetics (formerly Invitae), Labcorp
Classification: Pathogenic for Hereditary spastic paraplegia 50. Last evaluated: 2025-09-22. Review status: criteria provided, single submitter. Criteria: Invitae Variant Classification Sherloc (09022015). Collection method: clinical testing. Allele origin: germline.
Comment: This sequence change creates a premature translational stop signal (p.Arg306*) in the AP4M1 gene. It is expected to result in an absent or disrupted protein product. Loss-of-function variants in AP4M1 are known to be pathogenic (PMID: 24700674, 25496299, 25558065). This variant is present in population databases (rs369459721, gnomAD 0.01%). This premature translational stop signal has been observed in individual(s) with neurodegeneration with brain iron accumulation or hereditary spastic paraplegia (PMID: 29473051, 31915823). ClinVar contains an entry for this variant (Variation ID: 561150). For these reasons, this variant has been classified as Pathogenic.

Blueprint Genetics
Classification: Pathogenic for AP4M1-related disorders. Last evaluated: 2024-11-05. Review status: criteria provided, single submitter. Criteria: ACMG Guidelines, 2015. Collection method: clinical testing. Allele origin: germline. Affected: yes. Observed: 3 variant alleles.

Laboratorio de Genetica e Diagnostico Molecular, Hospital Israelita Albert Einstein
Classification: Pathogenic for Hereditary spastic paraplegia 50. Last evaluated: 2024-05-28. Review status: criteria provided, single submitter. Criteria: ACMG Guidelines, 2015. Collection method: clinical testing. Allele origin: germline. Affected: yes.
Comment: ACMG classification criteria: PVS1 very strong, PM2 supporting, PM3 strong, PP1 moderate

GeneDx
Classification: Pathogenic. Last evaluated: 2022-08-12. Review status: criteria provided, single submitter. Criteria: GeneDx Variant Classification Process June 2021. Collection method: clinical testing. Allele origin: germline. Affected: yes.
Comment: Nonsense variant predicted to result in protein truncation or nonsense mediated decay in a gene for which loss-of-function is a known mechanism of disease; Not observed at significant frequency in large population cohorts (gnomAD); This variant is associated with the following publications: (PMID: 29473051, 25326635, 32337850, 31915823, 32979048, 34729478, 31589614, 34087981)

Diagnostic Laboratory, Strasbourg University Hospital
Classification: Pathogenic for Intellectual disability. Last evaluated: 2020-09-10. Review status: criteria provided, single submitter. Criteria: ACMG Guidelines, 2015. Collection method: clinical testing. Allele origin: unknown. Affected: yes. Observed: 1 compound heterozygote.

Genome Diagnostics Laboratory, The Hospital for Sick Children
Classification: Pathogenic for Hereditary spastic paraplegia. Last evaluated: 2019-06-01. Review status: criteria provided, single submitter. Criteria: ACMG Guidelines, 2015. Collection method: clinical testing. Allele origin: germline. Affected: yes.

Baylor Genetics
Classification: Pathogenic for Hereditary spastic paraplegia 50. Last evaluated: 2017-09-01. Review status: criteria provided, single submitter. Criteria: ACMG Guidelines, 2015. Collection method: clinical testing. Allele origin: paternal. Inheritance: Autosomal recessive inheritance. Affected: yes.
Comment: This nonsense mutation is categorized as deleterious according to ACMG guidelines (PMID:18414213). Heterozygotes are expected to be asymptomatic carriers.

Department of Pediatric Genetics, Istanbul University - Cerrahpasa
Classification: Pathogenic for Spastic paraplegia 50, autosomal recessive. Review status: criteria provided, single submitter. Criteria: ACMG Guidelines, 2015. Collection method: clinical testing. Allele origin: germline. Affected: yes.

Yale Center for Mendelian Genomics, Yale University
Classification: Likely pathogenic for Spastic paraplegia. Last evaluated: 2020-10-01. Review status: no assertion criteria provided. Collection method: literature only. Allele origin: germline. Affected: yes. Observed: 1 compound heterozygote, 3 homozygotes. Study: Yale Center for Mendelian Genomics. Not counted in ClinVar's aggregate classification.

Literature cited by the submitters: PubMed 24700674 (cited by Labcorp Genetics (formerly Invitae), Labcorp); PubMed 25496299 (cited by Labcorp Genetics (formerly Invitae), Labcorp); PubMed 25558065 (cited by Labcorp Genetics (formerly Invitae), Labcorp); PubMed 29473051 (cited by Labcorp Genetics (formerly Invitae), Labcorp); PubMed 31915823 (cited by Labcorp Genetics (formerly Invitae), Labcorp); PubMed 25326635 (cited by Baylor Genetics); PubMed 32979048 (cited by Yale Center for Mendelian Genomics, Yale University).